The following is an entry in ClinVar:

NM_181486.4(TBX5):c.1373A>C (p.Gln458Pro)

Gene: TBX5 (T-box transcription factor 5; minus strand). Cytogenetic location: 12q24.21.
Variant type: single nucleotide variant.
Coding change: c.1373A>C on transcript NM_181486.4 (MANE Select); coding-DNA position 1373, A replaced by C.
Protein change: p.Gln458Pro; replaces glutamine 458 with proline.
Molecular consequence: missense variant.
Genome position (GRCh38, 1-based): chr12:114,355,716, T>G on the plus strand (A>C on the coding strand, the complement: TBX5 is on the minus strand). VCF-style: chr12-114355716-T-G. GRCh37 (hg19) VCF-style: chr12-114793521-T-G.
Other names: c.1373A>C, p.Gln458Pro (NM_000192.3); c.1223A>C, p.Gln408Pro (NM_080717.4); short protein forms Q408P, Q458P.
Identifiers: ClinVar variation 3966308 (VCV003966308.1).

ClinVar aggregate classification (germline): Uncertain significance (1 of 4 stars; one submission).

Conditions:
Cardiovascular phenotype. Identifiers: MedGen CN230736.

Submission:

Ambry Genetics
Classification: Uncertain significance for Cardiovascular phenotype. Last evaluated: 2025-05-24. Review status: criteria provided, single submitter. Criteria: Ambry Variant Classification Scheme 2023. Collection method: clinical testing. Allele origin: germline.
Comment: The p.Q458P variant (also known as c.1373A>C), located in coding exon 8 of the TBX5 gene, results from an A to C substitution at nucleotide position 1373. The glutamine at codon 458 is replaced by proline, an amino acid with similar properties. This amino acid position is conserved. In addition, the in silico prediction for this alteration is inconclusive. Based on the available evidence, the clinical significance of this variant remains unclear.